The following is an entry in ClinVar:

ClinVar aggregate classification (germline): Uncertain significance (1 of 4 stars; one submission).

Conditions:
DOCK2 deficiency. Also called: Immunodeficiency 40. Identifiers: Orphanet 447737, MedGen C4225328, MONDO:0014637, OMIM 616433.

Allele frequency attached by ClinVar (database versions not stated): gnomAD exomes below 0.00001; TOPMed below 0.00001.
gnomAD v4.1: 5 of 1,613,894 alleles (0.00031%); highest among the groups gnomAD compares: Non-Finnish European, 0.000085%; no homozygotes.

Submission:

Labcorp Genetics (formerly Invitae), Labcorp
Classification: Uncertain significance for DOCK2 deficiency. Last evaluated: 2022-02-05. Review status: criteria provided, single submitter. Criteria: Invitae Variant Classification Sherloc (09022015). Collection method: clinical testing. Allele origin: germline.
Comment: This sequence change replaces methionine, which is neutral and non-polar, with valine, which is neutral and non-polar, at codon 385 of the DOCK2 protein (p.Met385Val). This variant is not present in population databases (gnomAD no frequency). This variant has not been reported in the literature in individuals affected with DOCK2-related conditions. Algorithms developed to predict the effect of missense changes on protein structure and function (SIFT, PolyPhen-2, Align-GVGD) all suggest that this variant is likely to be tolerated. Algorithms developed to predict the effect of sequence changes on RNA splicing suggest that this variant may create or strengthen a splice site. In summary, the available evidence is currently insufficient to determine the role of this variant in disease. Therefore, it has been classified as a Variant of Uncertain Significance.

NM_004946.3(DOCK2):c.1153A>G (p.Met385Val)

Gene: DOCK2 (dedicator of cytokinesis 2; plus strand). Cytogenetic location: 5q35.1.
Variant type: single nucleotide variant.
Coding change: c.1153A>G on transcript NM_004946.3 (MANE Select); coding-DNA position 1153, A replaced by G.
Protein change: p.Met385Val; replaces methionine 385 with valine.
Molecular consequence: missense variant. On other transcripts: non-coding transcript variant (1).
Genome position (GRCh38, 1-based): chr5:169,700,034, A>G. VCF-style: chr5-169700034-A-G. GRCh37 (hg19) VCF-style: chr5-169127038-A-G.
Other names: short protein forms M385V.
Identifiers: ClinVar variation 1520947 (VCV001520947.8), dbSNP rs984942603, ClinGen allele CA132024476.